The following is an entry in ClinVar:

NM_001848.3(COL6A1):c.789C>T (p.Gly263=)

Gene: COL6A1 (collagen type VI alpha 1 chain; plus strand). Cytogenetic location: 21q22.3.
Variant type: single nucleotide variant.
Coding change: c.789C>T on transcript NM_001848.3 (MANE Select); coding-DNA position 789, C replaced by T.
Protein change: p.Gly263=; no amino-acid change (glycine 263 retained).
Molecular consequence: synonymous variant.
Genome position (GRCh38, 1-based): chr21:45,987,639, C>T. VCF-style: chr21-45987639-C-T. GRCh37 (hg19) VCF-style: chr21-47407553-C-T.
Identifiers: ClinVar variation 500670 (VCV000500670.17), dbSNP rs148364156, ClinGen allele CA10069752.

ClinVar aggregate classification (germline): Conflicting classifications of pathogenicity. Review status: criteria provided, conflicting classifications (1 of 4 stars). 4 submissions from 4 submitters: Uncertain significance (1); Benign (1); Likely benign (2). Last evaluated 2026-06-01.

Conditions:
Inborn genetic diseases. Identifiers: MedGen C0950123, MeSH D030342.
Bethlem myopathy 1A. Also called: MYOPATHY, BENIGN CONGENITAL, WITH CONTRACTURES; Bethlem Muscular Dystrophy; Bethlem myopathy 1. Identifiers: Orphanet 610, MedGen CN029274, MONDO:0024530, OMIM 158810.

Allele frequency attached by ClinVar (database versions not stated): ExAC 0.00001; gnomAD exomes 0.00002; gnomAD 0.00005 and 0.00006; ESP Exome Variant Server 0.00008; TOPMed 0.00014.
gnomAD v4.1: 27 of 1,610,092 alleles (0.0017%); highest among the groups gnomAD compares: African/African-American, 0.012%; no homozygotes.

Submissions (4):

CeGaT Center for Human Genetics Tuebingen
Classification: Likely benign. Last evaluated: 2026-06-01. Review status: criteria provided, single submitter. Criteria: CeGaT Center For Human Genetics Tuebingen Variant Classification Criteria Version 2. Collection method: clinical testing. Allele origin: germline. Affected: yes. Observed: 1 variant allele.
Comment: COL6A1: BP4, BP7

Labcorp Genetics (formerly Invitae), Labcorp
Classification: Benign for Bethlem myopathy 1A. Last evaluated: 2025-07-02. Review status: criteria provided, single submitter. Criteria: Invitae Variant Classification Sherloc (09022015). Collection method: clinical testing. Allele origin: germline.

Ambry Genetics
Classification: Likely benign for Inborn genetic diseases. Last evaluated: 2024-02-17. Review status: criteria provided, single submitter. Criteria: Ambry Variant Classification Scheme 2023. Collection method: clinical testing. Allele origin: germline.

Eurofins Ntd Llc (ga)
Classification: Uncertain significance. Last evaluated: 2017-02-28. Review status: criteria provided, single submitter. Criteria: EGL Classification Definitions 2015. Collection method: clinical testing. Allele origin: germline. Observed: 1 variant allele, 1 heterozygote.